The following is an entry in ClinVar:

ClinVar aggregate classification (germline): Uncertain significance (1 of 4 stars; one submission).

Conditions:
Hereditary cancer-predisposing syndrome. Also called: Hereditary Cancer Syndrome; Neoplastic Syndromes, Hereditary; Tumor predisposition; Hereditary neoplastic syndrome. Identifiers: Orphanet 140162, MedGen C0027672, MeSH D009386, MONDO:0015356.

Submission:

Ambry Genetics
Classification: Uncertain significance for Hereditary cancer-predisposing syndrome. Last evaluated: 2026-08-15. Review status: criteria provided, single submitter. Criteria: Ambry Variant Classification Scheme 2023. Collection method: clinical testing. Allele origin: germline.
Comment: The p.G923V variant (also known as c.2768G>T), located in coding exon 16 of the ALK gene, results from a G to T substitution at nucleotide position 2768. The glycine at codon 923 is replaced by valine, an amino acid with dissimilar properties. This amino acid position is conserved. In addition, the in silico prediction for this alteration is inconclusive. Based on the available evidence, the clinical significance of this variant remains unclear.

NM_004304.5(ALK):c.2768G>T (p.Gly923Val)

Gene: ALK (ALK receptor tyrosine kinase; minus strand). Cytogenetic location: 2p23.2.
Variant type: single nucleotide variant.
Coding change: c.2768G>T on transcript NM_004304.5 (MANE Select); coding-DNA position 2768, G replaced by T.
Protein change: p.Gly923Val; replaces glycine 923 with valine.
Molecular consequence: missense variant.
Genome position (GRCh38, 1-based): chr2:29,228,931, C>A on the plus strand (G>T on the coding strand, the complement: ALK is on the minus strand). VCF-style: chr2-29228931-C-A. GRCh37 (hg19) VCF-style: chr2-29451797-C-A.
Other names: short protein forms G923V.
Identifiers: ClinVar variation 5035537 (VCV005035537.1).
Genomic context (GRCh38, chr2:29,228,931, plus strand): 5'-GAATCATCTTTACCTATATATCCTCCGCCTCCTCCACCTGAGGAGCACCCCCCTCCACCC[C>A]CTCCGAAACCCCCTCTTGTCTCCCACCCCCACTTCTTCATGGCCTGGGGGCAGGAATGTC-3'
Protein context (NP_004295.2, residues 913-933): WGWETRGGFG[Gly923Val]GGGGCSSGGG